The following is an entry in ClinVar:

NM_003072.5(SMARCA4):c.4936G>A (p.Glu1646Lys)

Gene: SMARCA4 (SWI/SNF related BAF chromatin remodeling complex subunit ATPase 4; plus strand). Cytogenetic location: 19p13.2.
Variant type: single nucleotide variant.
Coding change: c.4936G>A on transcript NM_003072.5 (MANE Select); coding-DNA position 4936, G replaced by A.
Protein change: p.Glu1646Lys; replaces glutamic acid 1646 with lysine.
Molecular consequence: missense variant. On other transcripts: non-coding transcript variant (1).
Genome position (GRCh38, 1-based): chr19:11,061,808, G>A. VCF-style: chr19-11061808-G-A. GRCh37 (hg19) VCF-style: chr19-11172484-G-A.
Other names: c.4837G>A, p.Glu1613Lys (NM_001128847.4, NM_001374457.1); c.4834G>A, p.Glu1612Lys (NM_001128848.2); c.5032G>A, p.Glu1678Lys (NM_001128849.3, NM_001387283.1); c.4933G>A, p.Glu1645Lys (NM_001411150.1); c.4936G>A, p.Glu1646Lys (NM_001128844.3); c.4846G>A, p.Glu1616Lys (NM_001128845.2); c.4843G>A, p.Glu1615Lys (NM_001128846.2); short protein forms E1613K, E1615K, E1612K, E1646K, E1678K, E1616K, E1645K.
Identifiers: ClinVar variation 2716924 (VCV002716924.3), dbSNP rs2147158512, ClinGen allele CA404081960.

ClinVar aggregate classification (germline): Uncertain significance (1 of 4 stars; one submission).

Conditions:
Rhabdoid tumor predisposition syndrome 2 (RTPS2). Identifiers: Orphanet 231108, Orphanet 69077, MedGen C2750074, MONDO:0013224, OMIM 613325.

Submission:

Labcorp Genetics (formerly Invitae), Labcorp
Classification: Uncertain significance for Rhabdoid tumor predisposition syndrome 2. Last evaluated: 2023-06-04. Review status: criteria provided, single submitter. Criteria: Invitae Variant Classification Sherloc (09022015). Collection method: clinical testing. Allele origin: germline.
Comment: In summary, the available evidence is currently insufficient to determine the role of this variant in disease. Therefore, it has been classified as a Variant of Uncertain Significance. Advanced modeling of protein sequence and biophysical properties (such as structural, functional, and spatial information, amino acid conservation, physicochemical variation, residue mobility, and thermodynamic stability) has been performed at Invitae for this missense variant, however the output from this modeling did not meet the statistical confidence thresholds required to predict the impact of this variant on SMARCA4 protein function. This variant has not been reported in the literature in individuals affected with SMARCA4-related conditions. This variant is not present in population databases (gnomAD no frequency). This sequence change replaces glutamic acid, which is acidic and polar, with lysine, which is basic and polar, at codon 1678 of the SMARCA4 protein (p.Glu1678Lys).